The following is an entry in ClinVar:

ClinVar aggregate classification (germline): Uncertain significance (1 of 4 stars; one submission).

Conditions:
Hereditary cancer-predisposing syndrome. Also called: Neoplastic Syndromes, Hereditary; Tumor predisposition; Hereditary Cancer Syndrome; Hereditary neoplastic syndrome. Identifiers: Orphanet 140162, MedGen C0027672, MeSH D009386, MONDO:0015356.

Submission:

Ambry Genetics
Classification: Uncertain significance for Hereditary cancer-predisposing syndrome. Last evaluated: 2021-06-06. Review status: criteria provided, single submitter. Criteria: Ambry Variant Classification Scheme 2023. Collection method: clinical testing. Allele origin: germline.
Comment: The p.M623L variant (also known as c.1867A>C), located in coding exon 6 of the AXIN2 gene, results from an A to C substitution at nucleotide position 1867. The methionine at codon 623 is replaced by leucine, an amino acid with highly similar properties. This amino acid position is not well conserved in available vertebrate species. In addition, this alteration is predicted to be tolerated by in silico analysis. Since supporting evidence is limited at this time, the clinical significance of this alteration remains unclear.

NM_004655.4(AXIN2):c.1867A>C (p.Met623Leu)

Gene: AXIN2 (axin 2; minus strand). Cytogenetic location: 17q24.1.
Variant type: single nucleotide variant.
Coding change: c.1867A>C on transcript NM_004655.4 (MANE Select); coding-DNA position 1867, A replaced by C.
Protein change: p.Met623Leu; replaces methionine 623 with leucine.
Molecular consequence: missense variant. On other transcripts: intron variant (1).
Genome position (GRCh38, 1-based): chr17:65,536,909, T>G on the plus strand (A>C on the coding strand, the complement: AXIN2 is on the minus strand). VCF-style: chr17-65536909-T-G. GRCh37 (hg19) VCF-style: chr17-63533027-T-G.
Other names: c.1713-356A>C (NM_001363813.1); short protein forms M623L.
Identifiers: ClinVar variation 1781593 (VCV001781593.2), dbSNP rs2043932180, ClinGen allele CA400676454.